The following is an entry in ClinVar:

ClinVar aggregate classification (germline): Uncertain significance. Review status: criteria provided, multiple submitters, no conflicts (2 of 4 stars). 2 submissions from 2 submitters: Uncertain significance (2). Last evaluated 2025-01-15.

Conditions:
Inborn genetic diseases. Identifiers: MedGen C0950123, MeSH D030342.

gnomAD v4.1: 2 of 1,614,090 alleles (0.00012%); highest among the groups gnomAD compares: Non-Finnish European, 0.00017%; no homozygotes.

Submissions (2):

Ambry Genetics
Classification: Uncertain significance for Inborn genetic diseases. Last evaluated: 2025-01-15. Review status: criteria provided, single submitter. Criteria: Ambry Variant Classification Scheme 2023. Collection method: clinical testing. Allele origin: germline.

Labcorp Genetics (formerly Invitae), Labcorp
Classification: Uncertain significance. Last evaluated: 2022-06-22. Review status: criteria provided, single submitter. Criteria: Invitae Variant Classification Sherloc (09022015). Collection method: clinical testing. Allele origin: germline.
Comment: This sequence change replaces histidine, which is basic and polar, with aspartic acid, which is acidic and polar, at codon 226 of the HPS3 protein (p.His226Asp). This variant is not present in population databases (gnomAD no frequency). This variant has not been reported in the literature in individuals affected with HPS3-related conditions. Algorithms developed to predict the effect of missense changes on protein structure and function (SIFT, PolyPhen-2, Align-GVGD) all suggest that this variant is likely to be tolerated. Algorithms developed to predict the effect of sequence changes on RNA splicing suggest that this variant may create or strengthen a splice site. In summary, the available evidence is currently insufficient to determine the role of this variant in disease. Therefore, it has been classified as a Variant of Uncertain Significance.

NM_032383.5(HPS3):c.676C>G (p.His226Asp)

Gene: HPS3 (HPS3 biogenesis of lysosomal organelles complex 2 subunit 1; plus strand). Cytogenetic location: 3q24.
Variant type: single nucleotide variant.
Coding change: c.676C>G on transcript NM_032383.5 (MANE Select); coding-DNA position 676, C replaced by G.
Protein change: p.His226Asp; replaces histidine 226 with aspartic acid.
Molecular consequence: missense variant. On other transcripts: intron variant (1).
Genome position (GRCh38, 1-based): chr3:149,140,462, C>G. VCF-style: chr3-149140462-C-G. GRCh37 (hg19) VCF-style: chr3-148858249-C-G.
Other names: c.218-555C>G (NM_001308258.2); c.676C>G (NM_032383.3); short protein forms H226D.
Identifiers: ClinVar variation 2158477 (VCV002158477.2), dbSNP rs1448395384, ClinGen allele CA354912737.